The following is an entry in ClinVar:

ClinVar aggregate classification (germline): Conflicting classifications of pathogenicity. Review status: criteria provided, conflicting classifications (1 of 4 stars). 3 submissions from 3 submitters: Uncertain significance (2); Likely benign (1). Last evaluated 2026-08-10.

Conditions:
ANLN-related disorder. Also called: ANLN-related condition.

Allele frequency attached by ClinVar (database versions not stated): ExAC 0.00003; gnomAD 0.00003; gnomAD exomes 0.00003; TOPMed 0.00005; ESP Exome Variant Server 0.00008.
gnomAD v4.1: 53 of 1,611,634 alleles (0.0033%); highest among the groups gnomAD compares: Non-Finnish European, 0.0037%; no homozygotes.

Submissions (3):

PreventionGenetics, part of Exact Sciences
Classification: Uncertain significance for ANLN-related condition. Last evaluated: 2026-08-10. Review status: criteria provided, single submitter. Criteria: ACMG Guidelines, 2015. Collection method: clinical testing. Allele origin: germline.
Comment: The ANLN c.464G>A variant is predicted to result in the amino acid substitution p.Arg155His. To our knowledge, this variant has not been reported in the literature. This variant is reported in 0.0080% of alleles in individuals of European (Finnish) descent in gnomAD. At this time, the clinical significance of this variant is uncertain due to the absence of conclusive functional and genetic evidence.

Labcorp Genetics (formerly Invitae), Labcorp
Classification: Uncertain significance. Last evaluated: 2025-08-27. Review status: criteria provided, single submitter. Criteria: Invitae Variant Classification Sherloc (09022015). Collection method: clinical testing. Allele origin: germline.
Comment: This sequence change replaces arginine, which is basic and polar, with histidine, which is basic and polar, at codon 155 of the ANLN protein (p.Arg155His). This variant is present in population databases (rs371775935, gnomAD 0.008%). This variant has not been reported in the literature in individuals affected with ANLN-related conditions. ClinVar contains an entry for this variant (Variation ID: 2045399). An algorithm developed to predict the effect of missense changes on protein structure and function outputs the following: PolyPhen-2: "Benign". The histidine amino acid residue is found in multiple mammalian species, which suggests that this missense change does not adversely affect protein function. In summary, the available evidence is currently insufficient to determine the role of this variant in disease. Therefore, it has been classified as a Variant of Uncertain Significance.

Ambry Genetics
Classification: Likely benign. Last evaluated: 2025-07-31. Review status: criteria provided, single submitter. Criteria: Ambry Variant Classification Scheme 2023. Collection method: clinical testing. Allele origin: germline.

NM_018685.5(ANLN):c.464G>A (p.Arg155His)

Gene: ANLN (anillin, actin binding protein; plus strand). Cytogenetic location: 7p14.2.
Variant type: single nucleotide variant.
Coding change: c.464G>A on transcript NM_018685.5 (MANE Select); coding-DNA position 464, G replaced by A.
Protein change: p.Arg155His; replaces arginine 155 with histidine.
Molecular consequence: missense variant.
Genome position (GRCh38, 1-based): chr7:36,399,370, G>A. VCF-style: chr7-36399370-G-A. GRCh37 (hg19) VCF-style: chr7-36438979-G-A.
Other names: c.464G>A, p.Arg155His (NM_001284301.3, NM_001284302.3); c.464G>A (NM_018685.2, NM_018685.4); short protein forms R155H.
Identifiers: ClinVar variation 2045399 (VCV002045399.6), dbSNP rs371775935, ClinGen allele CA4219348.